The following is an entry in ClinVar:

NM_005546.4(ITK):c.659A>G (p.Tyr220Cys)

Gene: ITK (IL2 inducible T cell kinase; plus strand). Cytogenetic location: 5q33.3.
Variant type: single nucleotide variant.
Coding change: c.659A>G on transcript NM_005546.4 (MANE Select); coding-DNA position 659, A replaced by G.
Protein change: p.Tyr220Cys; replaces tyrosine 220 with cysteine.
Molecular consequence: missense variant.
Genome position (GRCh38, 1-based): chr5:157,228,307, A>G. VCF-style: chr5-157228307-A-G. GRCh37 (hg19) VCF-style: chr5-156655317-A-G.
Other names: short protein forms Y220C.
Identifiers: ClinVar variation 2105641 (VCV002105641.4), dbSNP rs2480580417, ClinGen allele CA361954500.
Genomic context (GRCh38, chr5:157,228,307, plus strand): 5'-ATAAAACTTAGTTCTATGTAAGTCTAAACATTAATTTTCCTTTTAACAGGCATGAAGGAT[A>G]TGTACCAAGCAGTTATCTGGTGGAAAAATCTCCAAATAATCTGGAAACCTATGAGTAAGA-3'
Protein context (NP_005537.3, residues 210-230): RVQDRNGHEG[Tyr220Cys]VPSSYLVEKS

ClinVar aggregate classification (germline): Uncertain significance (1 of 4 stars; one submission).

Conditions:
Lymphoproliferative syndrome 1 (LPFS1). Identifiers: Orphanet 238505, Orphanet 538963, MedGen C3552634, MONDO:0013081, OMIM 613011.

Submission:

Labcorp Genetics (formerly Invitae), Labcorp
Classification: Uncertain significance for Lymphoproliferative syndrome 1. Last evaluated: 2022-03-02. Review status: criteria provided, single submitter. Criteria: Invitae Variant Classification Sherloc (09022015). Collection method: clinical testing. Allele origin: germline.
Comment: This sequence change replaces tyrosine, which is neutral and polar, with cysteine, which is neutral and slightly polar, at codon 220 of the ITK protein (p.Tyr220Cys). This variant is not present in population databases (gnomAD no frequency). This variant has not been reported in the literature in individuals affected with ITK-related conditions. Advanced modeling of protein sequence and biophysical properties (such as structural, functional, and spatial information, amino acid conservation, physicochemical variation, residue mobility, and thermodynamic stability) performed at Invitae indicates that this missense variant is not expected to disrupt ITK protein function. In summary, the available evidence is currently insufficient to determine the role of this variant in disease. Therefore, it has been classified as a Variant of Uncertain Significance.